The following is an entry in ClinVar:

NM_012309.5(SHANK2):c.5231C>T (p.Pro1744Leu)

Gene: SHANK2 (SH3 and multiple ankyrin repeat domains 2; minus strand). Cytogenetic location: 11q13.3.
Variant type: single nucleotide variant.
Coding change: c.5231C>T on transcript NM_012309.5 (MANE Select); coding-DNA position 5231, C replaced by T.
Protein change: p.Pro1744Leu; replaces proline 1744 with leucine.
Molecular consequence: missense variant. On other transcripts: non-coding transcript variant (1).
Genome position (GRCh38, 1-based): chr11:70,473,188, G>A on the plus strand (C>T on the coding strand, the complement: SHANK2 is on the minus strand). VCF-style: chr11-70473188-G-A. GRCh37 (hg19) VCF-style: chr11-70319293-G-A.
Other names: c.4094C>T, p.Pro1365Leu (NM_001379226.1); c.3467C>T, p.Pro1156Leu (NM_133266.5); short protein forms P1156L, P1365L, P1744L.
Identifiers: ClinVar variation 3253396 (VCV003253396.1), dbSNP rs2058617274.

ClinVar aggregate classification (germline): Uncertain significance (1 of 4 stars; one submission).

Allele frequency attached by ClinVar (database versions not stated): TOPMed below 0.00001.

Submission:

GeneDx
Classification: Uncertain significance. Last evaluated: 2022-09-13. Review status: criteria provided, single submitter. Criteria: GeneDx Variant Classification Process June 2021. Collection method: clinical testing. Allele origin: germline. Affected: yes.
Comment: Has not been previously published as pathogenic or benign to our knowledge; In silico analysis supports that this missense variant has a deleterious effect on protein structure/function; Not observed at significant frequency in large population cohorts (gnomAD)